The following is an entry in ClinVar:

ClinVar aggregate classification (germline): Uncertain significance. Review status: criteria provided, multiple submitters, no conflicts (2 of 4 stars). 3 submissions from 3 submitters: Uncertain significance (2). 1 of the submissions does not count toward it. Last evaluated 2026-09-01.

Conditions:
VWF-related disorder. Also called: VWF-related disorders; VWF-related condition.

Allele frequency attached by ClinVar (database versions not stated): ExAC 0.00001; gnomAD exomes 0.00001; gnomAD 0.00002; TOPMed 0.00002.
gnomAD v4.1: 22 of 1,613,792 alleles (0.0014%); highest among the groups gnomAD compares: Admixed American, 0.0033%; no homozygotes.

Submissions (3):

PreventionGenetics, part of Exact Sciences
Classification: Uncertain significance for VWF-related condition. Last evaluated: 2026-09-01. Review status: criteria provided, single submitter. Criteria: ACMG Guidelines, 2015. Collection method: clinical testing. Allele origin: germline.
Comment: The VWF c.4238C>T variant is predicted to result in the amino acid substitution p.Pro1413Leu. This variant has been reported in multiple individuals with Von Willebrand disease (Goodeve et al. 2007. PubMed ID: 16985174; Yadegari et al. 2012. PubMed ID: 22871923; Manderstedt et al. 2018. PubMed ID: 31249928). In Manderstedt et al., this variant occurred together with another variant (p.Gly1672Arg), indicating these two variants occur on the same haplotype (Manderstedt et al. 2018. PubMed ID: 31249928). Functional studies using protein expression in cell culture found that the p.Pro1413Leu substitution did not significantly affect protein function (Berber et al. 2016. PubMed ID: 27483487). This variant is reported in 0.0033% of alleles in individuals of South Asian descent in gnomAD. An alternate missense substitution affecting the same amino acid (p.Pro1413Arg) has been reported in an individual with Von Willebrand disease (Veyradier et al. 2016. PubMed ID: 26986123). At this time, the clinical significance of the c.4238C>T (p.Pro1413Leu) variant is uncertain due to the absence of conclusive functional and genetic evidence.

Quest Diagnostics Nichols Institute San Juan Capistrano
Classification: Uncertain significance. Last evaluated: 2024-08-19. Review status: criteria provided, single submitter. Criteria: Quest Diagnostics criteria. Collection method: clinical testing. Allele origin: unknown.
Comment: The VWF c.4238C>T (p.Pro1413Leu) variant has been reported in the published literature in multiple individuals with Von Willebrand disease type 1 (PMIDs: 16985174 (2007), 17190853 (2007), 18230755 (2008), 21534937 (2011), 22871923 (2012), 27076201 (2016), 28971901 (2017), 31249928 (2018), and 33134807 (2020)). In vitro expression studies indicated that this variant has no effect on vWF protein function (PMID: 27483487 (2017)) but further studies are required to determine the global effect of this variant on vWF protein function. The frequency of this variant in the general population, 0.000011 (3/282514 chromosomes (Genome Aggregation Database)), is uninformative in the assessment of its pathogenicity. Analysis of this variant using bioinformatics tools for the prediction of the effect of amino acid changes on protein structure and function yielded predictions that this variant is damaging. Based on the available information, we are unable to determine the clinical significance of this variant.

Academic Unit of Haematology, University of Sheffield
No classification provided. Review status: no classification provided. Collection method: not provided. Allele origin: not provided. Not counted in ClinVar's aggregate classification.

Literature cited by the submitters: PubMed 28971901 (cited by Quest Diagnostics Nichols Institute San Juan Capistrano); PubMed 22871923 (cited by Quest Diagnostics Nichols Institute San Juan Capistrano); PubMed 16985174 (cited by Quest Diagnostics Nichols Institute San Juan Capistrano); PubMed 27483487 (cited by Quest Diagnostics Nichols Institute San Juan Capistrano); PubMed 37647632 (cited by Quest Diagnostics Nichols Institute San Juan Capistrano); PubMed 17190853 (cited by Quest Diagnostics Nichols Institute San Juan Capistrano); PubMed 31249928 (cited by Quest Diagnostics Nichols Institute San Juan Capistrano); PubMed 22102197 (cited by Quest Diagnostics Nichols Institute San Juan Capistrano); PubMed 33134807 (cited by Quest Diagnostics Nichols Institute San Juan Capistrano); PubMed 27076201 (cited by Quest Diagnostics Nichols Institute San Juan Capistrano); PubMed 21534937 (cited by Quest Diagnostics Nichols Institute San Juan Capistrano); PubMed 18230755 (cited by Quest Diagnostics Nichols Institute San Juan Capistrano).

NM_000552.5(VWF):c.4238C>T (p.Pro1413Leu)

Gene: VWF (von Willebrand factor; minus strand). Cytogenetic location: 12p13.31.
Variant type: single nucleotide variant.
Coding change: c.4238C>T on transcript NM_000552.5 (MANE Select); coding-DNA position 4238, C replaced by T.
Protein change: p.Pro1413Leu; replaces proline 1413 with leucine.
Molecular consequence: missense variant.
Genome position (GRCh38, 1-based): chr12:6,019,180, G>A on the plus strand (C>T on the coding strand, the complement: VWF is on the minus strand). VCF-style: chr12-6019180-G-A. GRCh37 (hg19) VCF-style: chr12-6128346-G-A.
Other names: c.4238C>T (NM_000552.4); short protein forms P1413L.
Identifiers: ClinVar variation 100342 (VCV000100342.4), dbSNP rs61750079, ClinGen allele CA228565.
Genomic context (GRCh38, chr12:6,019,180, plus strand): 5'-GGGGCCTGCTTCTCGATGAGGCGGATCTGCTTGAGGTTGGCATGGGGCCCAATGCCCACC[G>A]GGATCACAATGACCTTCTTCTTCTTCAGGCCCTGGACGTAGCGGACAAAGTTCCGGGACA-3'
Protein context (NP_000543.3, residues 1403-1423): GLKKKKVIVI[Pro1413Leu]VGIGPHANLK